The following is an entry in ClinVar:

NM_001098.3(ACO2):c.708_723del (p.Ser237fs)

Gene: ACO2 (aconitase 2; plus strand). Cytogenetic location: 22q13.2.
Variant type: Deletion.
Coding change: c.708_723del on transcript NM_001098.3 (MANE Select); coding-DNA positions 708 to 723, 16 bases deleted (CTCTCTCTCCGGTTGG).
Protein change: p.Ser237fs; shifts the reading frame from serine 237.
Molecular consequence: frameshift variant.
Genome position (GRCh38, 1-based): chr22:41,515,790-41,515,805, CTCTCTCTCCGGTTGG deleted; deleting any 16 consecutive bases within chr22:41,515,788-41,515,805 gives the same sequence; the c. name uses the placement nearest the transcript's 3' end. VCF-style (leftmost placement, unchanged base first): chr22-41515787-GGGCTCTCTCTCCGGTT-G. GRCh37 (hg19) VCF-style: chr22-41911791-GGGCTCTCTCTCCGGTT-G.
Other names: short protein forms S237fs.
Identifiers: ClinVar variation 2185049 (VCV002185049.1), dbSNP rs2518222791, ClinGen allele CA2580099843.

ClinVar aggregate classification (germline): Pathogenic (1 of 4 stars; one submission).

Submission:

Labcorp Genetics (formerly Invitae), Labcorp
Classification: Pathogenic. Last evaluated: 2022-06-27. Review status: criteria provided, single submitter. Criteria: Invitae Variant Classification Sherloc (09022015). Collection method: clinical testing. Allele origin: germline.
Comment: This sequence change creates a premature translational stop signal (p.Ser237Profs*6) in the ACO2 gene. It is expected to result in an absent or disrupted protein product. Loss-of-function variants in ACO2 are known to be pathogenic (PMID: 30689204, 32519519). This variant is not present in population databases (gnomAD no frequency). This variant has not been reported in the literature in individuals affected with ACO2-related conditions. For these reasons, this variant has been classified as Pathogenic.

Literature cited by the submitters: PubMed 30689204; PubMed 32519519.